The following is an entry in ClinVar:

NM_000135.4(FANCA):c.2391G>A (p.Ala797=)

Gene: FANCA (FA complementation group A; minus strand). Cytogenetic location: 16q24.3.
Variant type: single nucleotide variant.
Coding change: c.2391G>A on transcript NM_000135.4 (MANE Select); coding-DNA position 2391, G replaced by A.
Protein change: p.Ala797=; no amino-acid change (alanine 797 retained).
Molecular consequence: synonymous variant.
Genome position (GRCh38, 1-based): chr16:89,769,950, C>T on the plus strand (G>A on the coding strand, the complement: FANCA is on the minus strand). VCF-style: chr16-89769950-C-T. GRCh37 (hg19) VCF-style: chr16-89836358-C-T.
Other names: c.2391G>A (LRG_495t1); c.2391G>A, p.Ala797= (NM_001286167.3).
Identifiers: ClinVar variation 255246 (VCV000255246.48), dbSNP rs147882314, ClinGen allele CA8251737.

ClinVar aggregate classification (germline): Benign/Likely benign. Review status: criteria provided, multiple submitters, no conflicts (2 of 4 stars). 11 submissions from 11 submitters: Benign (1); Likely benign (10). Last evaluated 2026-09-01.

Conditions:
Inborn genetic diseases. Identifiers: MedGen C0950123, MeSH D030342.
Hereditary cancer-predisposing syndrome. Also called: Hereditary neoplastic syndrome; Hereditary Cancer Syndrome; Neoplastic Syndromes, Hereditary; Tumor predisposition. Identifiers: Orphanet 140162, MedGen C0027672, MeSH D009386, MONDO:0015356.
Fanconi anemia (FA). Also called: Fanconi's anemia. Identifiers: Orphanet 84, MedGen C0015625, MeSH D005199, MONDO:0019391.

Allele frequency attached by ClinVar (database versions not stated): 1000 Genomes Project 0.00040; 1000 Genomes Project 30x 0.00062; ExAC 0.00073; gnomAD exomes 0.00073 and 0.00144; gnomAD 0.00076 and 0.00079; TOPMed 0.00090; ESP Exome Variant Server 0.00154.
gnomAD v4.1: 2,213 of 1,614,044 alleles (0.14%); highest among the groups gnomAD compares: Non-Finnish European, 0.17%; 3 homozygotes.

Submissions (11):

CeGaT Center for Human Genetics Tuebingen
Classification: Likely benign. Last evaluated: 2026-09-01. Review status: criteria provided, single submitter. Criteria: CeGaT Center For Human Genetics Tuebingen Variant Classification Criteria Version 2. Collection method: clinical testing. Allele origin: germline. Affected: yes. Observed: 10 variant alleles.
Comment: FANCA: BP4, BP7

Labcorp Genetics (formerly Invitae), Labcorp
Classification: Likely benign for Fanconi anemia. Last evaluated: 2026-01-28. Review status: criteria provided, single submitter. Criteria: Invitae Variant Classification Sherloc (09022015). Collection method: clinical testing. Allele origin: germline.

Quest Diagnostics Nichols Institute San Juan Capistrano
Classification: Benign. Last evaluated: 2025-06-19. Review status: criteria provided, single submitter. Criteria: Quest Diagnostics criteria. Collection method: clinical testing. Allele origin: unknown.

Molecular Diagnostics Laboratory, Catalan Institute of Oncology
Classification: Likely benign for Hereditary cancer-predisposing syndrome. Last evaluated: 2025-05-14. Review status: criteria provided, single submitter. Criteria: ACMG Guidelines, 2015. Collection method: clinical testing. Allele origin: germline.
Comment: BP4, BP7 c.2391G>A, located in exon 26 of the FANCA gene, is predicted to result in no splicing alteration (according to SpliceAI) and no amino acid change, p.(Ala797=) (BP4, BP7). This variant is found in 186/268072 alleles at a frequency of 0.07% in the gnomAD v2.1.1 database, non-cancer dataset. To our knowledge, neither relevant clinical data nor well-stablished functional studies have been reported for this variant. c.2391G>A has only been reported in ClinVar database (1x benign, 8x likely benign). Based on the currently available information, c.2391G>A is classified as likely benign variant according to ACMG guidelines.

Blueprint Genetics
Classification: Likely benign. Last evaluated: 2024-11-11. Review status: criteria provided, single submitter. Criteria: ACMG Guidelines, 2015. Collection method: clinical testing. Allele origin: germline.

Ambry Genetics
Classification: Likely benign for Inborn genetic diseases. Last evaluated: 2024-10-02. Review status: criteria provided, single submitter. Criteria: Ambry Variant Classification Scheme 2023. Collection method: clinical testing. Allele origin: germline.

Sema4
Classification: Likely benign for Fanconi anemia. Last evaluated: 2021-03-02. Review status: criteria provided, single submitter. Criteria: Sema4 Curation Guidelines. Collection method: curation. Allele origin: germline.

GeneDx
Classification: Likely benign. Last evaluated: 2019-03-13. Review status: criteria provided, single submitter. Criteria: GeneDx Variant Classification Process June 2021. Collection method: clinical testing. Allele origin: germline. Affected: yes.

Genetic Services Laboratory, University of Chicago
Classification: Likely benign. Last evaluated: 2016-12-05. Review status: criteria provided, single submitter. Criteria: ACMG Guidelines, 2015. Collection method: clinical testing. Allele origin: germline. Affected: no.

Breakthrough Genomics
Classification: Likely benign. Review status: criteria provided, single submitter. Criteria: ACMG Guidelines, 2015. Collection method: not provided. Allele origin: germline. Inheritance: Autosomal recessive inheritance. Affected: yes.

PreventionGenetics, part of Exact Sciences
Classification: Likely benign. Review status: criteria provided, single submitter. Criteria: ACMG Guidelines, 2015. Collection method: clinical testing. Allele origin: germline.